The following is an entry in ClinVar:

NM_000135.4(FANCA):c.259G>C (p.Ala87Pro)

Gene: FANCA (FA complementation group A; minus strand). Cytogenetic location: 16q24.3.
Variant type: single nucleotide variant.
Coding change: c.259G>C on transcript NM_000135.4 (MANE Select); coding-DNA position 259, G replaced by C.
Protein change: p.Ala87Pro; replaces alanine 87 with proline.
Molecular consequence: missense variant.
Genome position (GRCh38, 1-based): chr16:89,814,544, C>G on the plus strand (G>C on the coding strand, the complement: FANCA is on the minus strand). VCF-style: chr16-89814544-C-G. GRCh37 (hg19) VCF-style: chr16-89880952-C-G.
Other names: c.259G>C, p.Ala87Pro (NM_001018112.3, NM_001286167.3, NM_001351830.2); short protein forms A87P.
Identifiers: ClinVar variation 2882153 (VCV002882153.4), dbSNP rs2041024939, ClinGen allele CA397482466.

ClinVar aggregate classification (germline): Uncertain significance. Review status: criteria provided, multiple submitters, no conflicts (2 of 4 stars). 2 submissions from 2 submitters: Uncertain significance (2). Last evaluated 2025-01-02.

Conditions:
Inborn genetic diseases. Identifiers: MedGen C0950123, MeSH D030342.
Fanconi anemia (FA). Also called: Fanconi's anemia. Identifiers: Orphanet 84, MedGen C0015625, MeSH D005199, MONDO:0019391.

Allele frequency attached by ClinVar (database versions not stated): TOPMed below 0.00001.

Submissions (2):

Ambry Genetics
Classification: Uncertain significance for Inborn genetic diseases. Last evaluated: 2025-01-02. Review status: criteria provided, single submitter. Criteria: Ambry Variant Classification Scheme 2023. Collection method: clinical testing. Allele origin: germline.
Comment: The p.A87P variant (also known as c.259G>C), located in coding exon 3 of the FANCA gene, results from a G to C substitution at nucleotide position 259. The alanine at codon 87 is replaced by proline, an amino acid with highly similar properties. This amino acid position is conserved. In addition, this alteration is predicted to be tolerated by in silico analysis. Based on the available evidence, the clinical significance of this variant remains unclear.

Labcorp Genetics (formerly Invitae), Labcorp
Classification: Uncertain significance for Fanconi anemia. Last evaluated: 2023-08-27. Review status: criteria provided, single submitter. Criteria: Invitae Variant Classification Sherloc (09022015). Collection method: clinical testing. Allele origin: germline.
Comment: This variant is not present in population databases (gnomAD no frequency). This variant has not been reported in the literature in individuals affected with FANCA-related conditions. Advanced modeling of protein sequence and biophysical properties (such as structural, functional, and spatial information, amino acid conservation, physicochemical variation, residue mobility, and thermodynamic stability) performed at Invitae indicates that this missense variant is not expected to disrupt FANCA protein function. In summary, the available evidence is currently insufficient to determine the role of this variant in disease. Therefore, it has been classified as a Variant of Uncertain Significance. This sequence change replaces alanine, which is neutral and non-polar, with proline, which is neutral and non-polar, at codon 87 of the FANCA protein (p.Ala87Pro).